The following is an entry in ClinVar:

ClinVar aggregate classification (germline): Uncertain significance (1 of 4 stars; one submission).

Submission:

Dasa
Classification: Uncertain significance. Last evaluated: 2025-10-14. Review status: criteria provided, single submitter. Criteria: DASA Assertion Criteria. Collection method: clinical testing. Allele origin: germline.
Comment: NM_182548.4(LHFPL5):c.574C>T (p.Leu192Phe) is a missense variant that results in the substitution of leucine with phenylalanine. This variant is absent from population databases. Computational prediction algorithms are consistent with a deleterious effect. The currently available literature and clinical evidence are not sufficient to establish a definitive association between this variant and the reported condition. Therefore, this variant is classified as a variant of uncertain significance.

NM_182548.4(LHFPL5):c.574C>T (p.Leu192Phe)

Gene: LHFPL5 (LHFPL tetraspan subfamily member 5; plus strand). Cytogenetic location: 6p21.31.
Variant type: single nucleotide variant.
Coding change: c.574C>T on transcript NM_182548.4 (MANE Select); coding-DNA position 574, C replaced by T.
Protein change: p.Leu192Phe; replaces leucine 192 with phenylalanine.
Molecular consequence: missense variant.
Genome position (GRCh38, 1-based): chr6:35,814,707, C>T. VCF-style: chr6-35814707-C-T. GRCh37 (hg19) VCF-style: chr6-35782484-C-T.
Other names: short protein forms L192F.
Identifiers: ClinVar variation 4884944 (VCV004884944.2).